The following is an entry in ClinVar:

NM_002241.5(KCNJ10):c.405C>T (p.Tyr135=)

Gene: KCNJ10 (potassium inwardly rectifying channel subfamily J member 10; minus strand). Cytogenetic location: 1q23.2.
Variant type: single nucleotide variant.
Coding change: c.405C>T on transcript NM_002241.5 (MANE Select); coding-DNA position 405, C replaced by T.
Protein change: p.Tyr135=; no amino-acid change (tyrosine 135 retained).
Molecular consequence: synonymous variant.
Genome position (GRCh38, 1-based): chr1:160,042,128, G>A on the plus strand (C>T on the coding strand, the complement: KCNJ10 is on the minus strand). VCF-style: chr1-160042128-G-A. GRCh37 (hg19) VCF-style: chr1-160011918-G-A.
Identifiers: ClinVar variation 293119 (VCV000293119.36), dbSNP rs765590257, ClinGen allele CA1193248.

ClinVar aggregate classification (germline): Conflicting classifications of pathogenicity. Review status: criteria provided, conflicting classifications (1 of 4 stars). 4 submissions from 3 submitters: Uncertain significance (2); Likely benign (2). Last evaluated 2025-12-13.

Conditions:
EAST syndrome (SESAMES). Also called: SEIZURES, SENSORINEURAL DEAFNESS, ATAXIA, IMPAIRED INTELLECTUAL DEVELOPMENT, AND ELECTROLYTE IMBALANCE. Identifiers: Orphanet 199343, MedGen C2748572, MONDO:0013005, OMIM 612780.
Autosomal recessive nonsyndromic hearing loss 4 (DFNB4). Also called: FOXI1-Related Pendred Syndrome; KCNJ10-Related Pendred Syndrome; DEAFNESS, AUTOSOMAL RECESSIVE 4, WITH ENLARGED VESTIBULAR AQUEDUCT, DIGENIC; Nonsyndromic enlarged vestibular aqueduct (NSEVA); Deafness, autosomal recessive 4, with enlarged vestibular aqueduct; Deafness, autosomal recessive 4. Identifiers: Orphanet 90636, MedGen C3538946, MONDO:0010933, OMIM 600791.

Allele frequency attached by ClinVar (database versions not stated): gnomAD 0.00001; TOPMed 0.00001; gnomAD exomes 0.00004 and 0.00007; ExAC 0.00011.
gnomAD v4.1: 55 of 1,569,374 alleles (0.0035%); highest among the groups gnomAD compares: South Asian, 0.06%; 1 homozygote.

Submissions (4):

Labcorp Genetics (formerly Invitae), Labcorp
Classification: Likely benign for EAST syndrome. Last evaluated: 2025-12-13. Review status: criteria provided, single submitter. Criteria: Invitae Variant Classification Sherloc (09022015). Collection method: clinical testing. Allele origin: germline.

CeGaT Center for Human Genetics Tuebingen
Classification: Likely benign. Last evaluated: 2022-11-01. Review status: criteria provided, single submitter. Criteria: CeGaT Center For Human Genetics Tuebingen Variant Classification Criteria Version 2. Collection method: clinical testing. Allele origin: germline. Affected: yes. Observed: 1 variant allele.
Comment: KCNJ10: BP4, BP7

Illumina Laboratory Services, Illumina
Classification: Uncertain significance for Autosomal recessive nonsyndromic hearing loss 4. Last evaluated: 2018-01-13. Review status: criteria provided, single submitter. Criteria: ICSL Variant Classification Criteria 13 December 2019. Collection method: clinical testing. Allele origin: germline.

Illumina Laboratory Services, Illumina
Classification: Uncertain significance for EAST syndrome. Last evaluated: 2018-01-13. Review status: criteria provided, single submitter. Criteria: ICSL Variant Classification Criteria 13 December 2019. Collection method: clinical testing. Allele origin: germline.